The following is an entry in ClinVar:

ClinVar aggregate classification (germline): Benign. Review status: criteria provided, multiple submitters, no conflicts (2 of 4 stars). 3 submissions from 3 submitters: Benign (3). Last evaluated 2025-09-22.

Conditions:
Atypical hemolytic-uremic syndrome with thrombomodulin anomaly. Also called: HEMOLYTIC UREMIC SYNDROME, ATYPICAL, SUSCEPTIBILITY TO, 6; AHUS, SUSCEPTIBILITY TO, 6. Identifiers: MedGen C2752036, MONDO:0013044, OMIM 612926. Disease mechanism: gain of function.
Thrombomodulin-related bleeding disorder (THPH12). Also called: Thrombophilia due to thrombomodulin defect. Identifiers: Orphanet 436169, MedGen C3280976, MONDO:0013775, OMIM 614486.

Allele frequency attached by ClinVar (database versions not stated): 1000 Genomes Project 30x 0.01905; 1000 Genomes Project 0.01917; gnomAD 0.03929 and 0.04028; TOPMed 0.03989; gnomAD exomes 0.04914.

Submissions (3):

Genomenon, Inc
Classification: Benign for Thrombomodulin-related bleeding disorder. Last evaluated: 2025-09-22. Review status: criteria provided, single submitter. Criteria: Genomenon Sequence Variant Interpretation Standards - Updated. Collection method: curation. Allele origin: germline. Affected: no.
Comment: THBD c.*351A>G is a variant located in the 3′ untranslated region (3′ UTR). This variant is present at high allele frequency in population databases. In conclusion, we classify THBD c.*351A>G as a benign variant.

Illumina Laboratory Services, Illumina
Classification: Benign for Atypical hemolytic-uremic syndrome with thrombomodulin anomaly. Last evaluated: 2018-01-13. Review status: criteria provided, single submitter. Criteria: ICSL Variant Classification Criteria 13 December 2019. Collection method: clinical testing. Allele origin: germline.
Comment: This variant was observed in the ICSL laboratory as part of a predisposition screen in an ostensibly healthy population. It had not been previously curated by ICSL or reported in the Human Gene Mutation Database (HGMD: prior to June 1st, 2018), and was therefore a candidate for classification through an automated scoring system. Utilizing variant allele frequency, disease prevalence and penetrance estimates, and inheritance mode, an automated score was calculated to assess if this variant is too frequent to cause the disease. Based on the score and internal cut-off values, a variant classified as benign is not then subjected to further curation. The score for this variant resulted in a classification of benign for this disease.

Breakthrough Genomics
Classification: Benign. Review status: criteria provided, single submitter. Criteria: ACMG Guidelines, 2015. Collection method: not provided. Allele origin: germline. Inheritance: Autosomal dominant inheritance. Affected: yes.

NM_000361.3(THBD):c.*351A>G

Gene: THBD (thrombomodulin; minus strand). Cytogenetic location: 20p11.21.
Variant type: single nucleotide variant.
Coding change: c.*351A>G on transcript NM_000361.3 (MANE Select); 351 bases downstream of the stop codon, A replaced by G.
Molecular consequence: 3 prime UTR variant.
Genome position (GRCh38, 1-based): chr20:23,047,426, T>C on the plus strand (A>G on the coding strand, the complement: THBD is on the minus strand). VCF-style: chr20-23047426-T-C. GRCh37 (hg19) VCF-style: chr20-23028063-T-C.
Identifiers: ClinVar variation 337871 (VCV000337871.7), dbSNP rs11696919, ClinGen allele CA10652994.